The following is an entry in ClinVar:

NM_000051.4(ATM):c.1960C>T (p.Gln654Ter)

Gene: ATM (ATM serine/threonine kinase; plus strand). Cytogenetic location: 11q22.3.
Variant type: single nucleotide variant.
Coding change: c.1960C>T on transcript NM_000051.4 (MANE Select); coding-DNA position 1960, C replaced by T.
Protein change: p.Gln654Ter; replaces glutamine 654 with a stop codon.
Molecular consequence: nonsense.
Genome position (GRCh38, 1-based): chr11:108,253,875, C>T. VCF-style: chr11-108253875-C-T. GRCh37 (hg19) VCF-style: chr11-108124602-C-T.
Other names: c.1960C>T, p.Gln654Ter (NM_001351834.2); short protein forms Q654*.
Identifiers: ClinVar variation 265559 (VCV000265559.9), dbSNP rs528165789, ClinGen allele CA10588491.
Genomic context (GRCh38, chr11:108,253,875, plus strand): 5'-GAACACCACCAAAAAGATAAAGAAGAACTTTCATTCTCAGAAGTAGAAGAACTATTTCTT[C>T]AGACAACTTTTGACAAGATGGACTTTTTAACCATTGTGAGAGAATGTGGTATAGAAAAGC-3'

ClinVar aggregate classification (germline): Pathogenic/Likely pathogenic. Review status: criteria provided, multiple submitters, no conflicts (2 of 4 stars). 3 submissions from 3 submitters: Pathogenic (2); Likely pathogenic (1). Last evaluated 2021-05-26.

Conditions:
Hereditary cancer-predisposing syndrome. Also called: Neoplastic Syndromes, Hereditary; Hereditary neoplastic syndrome; Hereditary Cancer Syndrome; Tumor predisposition. Identifiers: Orphanet 140162, MedGen C0027672, MeSH D009386, MONDO:0015356.

Submissions (3):

Ambry Genetics
Classification: Pathogenic for Hereditary cancer-predisposing syndrome. Last evaluated: 2021-05-26. Review status: criteria provided, single submitter. Criteria: Ambry Variant Classification Scheme 2023. Collection method: clinical testing. Allele origin: germline.
Comment: The p.Q654* pathogenic mutation (also known as c.1960C>T), located in coding exon 12 of the ATM gene, results from a C to T substitution at nucleotide position 1960. This changes the amino acid from a glutamine to a stop codon within coding exon 12. This alteration was reported in an individual with a clinical diagnosis of ataxia-telangiectasia; the second mutation in this individual was unknown (Berland A et al. J Allergy Clin Immunol, 2019 01;143:325-334.e2). In addition, this variant was identified in 1/3907 breast cancer patients. (Yadav S et al. J Clin Oncol, 2020 05;38:1409-1418). In addition to the information presented in the literature, this alteration is expected to result in loss of function by premature protein truncation or nonsense-mediated mRNA decay. As such, this alteration is interpreted as a disease-causing mutation.

Color Diagnostics, LLC DBA Color Health
Classification: Pathogenic for Hereditary cancer-predisposing syndrome. Last evaluated: 2019-09-09. Review status: criteria provided, single submitter. Criteria: ACMG Guidelines, 2015. Collection method: clinical testing. Allele origin: germline.
Comment: This variant changes 1 nucleotide in exon 13 of the ATM gene, creating a premature translation stop signal. This variant is expected to result in an absent or non-functional protein product. Splice site prediction tools suggest that this variant may not impact RNA splicing. To our knowledge, functional studies have not been performed for this variant. This variant has not been reported in individuals affected with hereditary cancer in the literature. This variant has not been identified in the general population by the Genome Aggregation Database (gnomAD). Loss of ATM function is a known mechanism of disease. Based on the available evidence, this variant is classified as Pathogenic.

GeneDx
Classification: Likely pathogenic. Last evaluated: 2017-09-08. Review status: criteria provided, single submitter. Criteria: GeneDx Variant Classification (06012015). Collection method: clinical testing. Allele origin: germline. Affected: yes.
Comment: This variant is denoted ATM c.1960C>T at the cDNA level and p.Gln654Ter (Q654X) at the protein level. The substitution creates a nonsense variant, which changes a Glutamine to a premature stop codon (CAG>TAG), and is predicted to cause loss of normal protein function through either protein truncation or nonsense-mediated mRNA decay. Although this variant has not, to our knowledge, been reported in the literature, it is considered likely pathogenic.

Literature cited by the submitters: PubMed 29906526 (cited by Ambry Genetics); PubMed 32125938 (cited by Ambry Genetics).